The following is an entry in ClinVar:

ClinVar aggregate classification (germline): Uncertain significance. Review status: criteria provided, multiple submitters, no conflicts (2 of 4 stars). 4 submissions from 4 submitters: Uncertain significance (4). Last evaluated 2026-05-06.

Conditions:
Hereditary cancer-predisposing syndrome. Also called: Neoplastic Syndromes, Hereditary; Hereditary neoplastic syndrome; Tumor predisposition; Hereditary Cancer Syndrome. Identifiers: Orphanet 140162, MedGen C0027672, MeSH D009386, MONDO:0015356.
Peutz-Jeghers syndrome (PJS). Also called: POLYPOSIS, HAMARTOMATOUS INTESTINAL; POLYPS-AND-SPOTS SYNDROME; Peutz-Jeghers polyposis; Periorificial lentiginosis syndrome. Identifiers: Orphanet 2869, MedGen C0031269, MeSH D010580, MONDO:0008280, OMIM 175200.

gnomAD v4.1: 3 of 1,610,722 alleles (0.00019%); highest among the groups gnomAD compares: Admixed American, 0.0017%; no homozygotes.

Submissions (4):

Hema, HEMA – Genetic and Molecular Diagnostic Laboratory
Classification: Uncertain significance for Peutz-Jeghers syndrome. Last evaluated: 2026-05-06. Review status: criteria provided, single submitter. Criteria: HEMA Variant Classification Assertion Criteria. Collection method: clinical testing. Allele origin: germline.
Comment: The c.1100C>A p.(Thr367Lys) variant is a transversion from cytosine to adenine, resulting in the substitution of threonine 367 with lysine. PM2_Supporting: Present at very low frequency in the gnomAD v4.1.1 database. PP3: According to the splicing predictor SpliceAI, the variant would alter splicing by gaining a donor site (Δ score = 0.44).

Ambry Genetics
Classification: Uncertain significance for Hereditary cancer-predisposing syndrome. Last evaluated: 2025-01-06. Review status: criteria provided, single submitter. Criteria: Ambry Variant Classification Scheme 2023. Collection method: clinical testing. Allele origin: germline.
Comment: The p.T367K variant (also known as c.1100C>A), located in coding exon 8 of the STK11 gene, results from a C to A substitution at nucleotide position 1100. The threonine at codon 367 is replaced by lysine, an amino acid with similar properties. This amino acid position is highly conserved in available vertebrate species. In addition, the in silico prediction for this alteration is inconclusive. Based on the available evidence, the clinical significance of this variant remains unclear.

Labcorp Genetics (formerly Invitae), Labcorp
Classification: Uncertain significance for Peutz-Jeghers syndrome. Last evaluated: 2024-04-22. Review status: criteria provided, single submitter. Criteria: Invitae Variant Classification Sherloc (09022015). Collection method: clinical testing. Allele origin: germline.
Comment: This sequence change replaces threonine, which is neutral and polar, with lysine, which is basic and polar, at codon 367 of the STK11 protein (p.Thr367Lys). The frequency data for this variant in the population databases is considered unreliable, as metrics indicate poor data quality at this position in the gnomAD database. This variant has not been reported in the literature in individuals affected with STK11-related conditions. ClinVar contains an entry for this variant (Variation ID: 962074). Advanced modeling of protein sequence and biophysical properties (such as structural, functional, and spatial information, amino acid conservation, physicochemical variation, residue mobility, and thermodynamic stability) performed at Invitae indicates that this missense variant is not expected to disrupt STK11 protein function with a negative predictive value of 95%. In summary, the available evidence is currently insufficient to determine the role of this variant in disease. Therefore, it has been classified as a Variant of Uncertain Significance.

Color Diagnostics, LLC DBA Color Health
Classification: Uncertain significance for Hereditary cancer-predisposing syndrome. Last evaluated: 2023-02-28. Review status: criteria provided, single submitter. Criteria: ACMG Guidelines, 2015. Collection method: clinical testing. Allele origin: germline.
Comment: This missense variant replaces threonine with lysine at codon 367 of the STK11 protein. Computational prediction suggests that this variant may not impact protein structure and function (internally defined REVEL score threshold <= 0.5, PMID: 27666373). To our knowledge, functional studies have not been reported for this variant. This variant has not been reported in individuals affected with hereditary cancer in the literature. This variant has been identified in 1/242076 chromosomes in the general population by the Genome Aggregation Database (gnomAD). The available evidence is insufficient to determine the role of this variant in disease conclusively. Therefore, this variant is classified as a Variant of Uncertain Significance.

NM_000455.5(STK11):c.1100C>A (p.Thr367Lys)

Genes: STK11 (serine/threonine kinase 11; plus strand), LOC130062899 (ATAC-STARR-seq lymphoblastoid active region 13597; plus strand). Cytogenetic location: 19p13.3.
Variant type: single nucleotide variant.
Coding change: c.1100C>A on transcript NM_000455.5 (MANE Select); coding-DNA position 1100, C replaced by A.
Protein change: p.Thr367Lys; replaces threonine 367 with lysine.
Molecular consequence: missense variant.
Genome position (GRCh38, 1-based): chr19:1,223,164, C>A. VCF-style: chr19-1223164-C-A. GRCh37 (hg19) VCF-style: chr19-1223163-C-A.
Other names: short protein forms T367K.
Identifiers: ClinVar variation 962074 (VCV000962074.12), dbSNP rs587782835, ClinGen allele CA402951974.